The following is an entry in ClinVar:

ClinVar aggregate classification (germline): Uncertain significance. Review status: criteria provided, multiple submitters, no conflicts (2 of 4 stars). 2 submissions from 2 submitters: Uncertain significance (2). Last evaluated 2023-05-04.

Conditions:
Hereditary cancer-predisposing syndrome. Also called: Neoplastic Syndromes, Hereditary; Hereditary Cancer Syndrome; Hereditary neoplastic syndrome; Tumor predisposition. Identifiers: Orphanet 140162, MedGen C0027672, MeSH D009386, MONDO:0015356.

Submissions (2):

Ambry Genetics
Classification: Uncertain significance for Hereditary cancer-predisposing syndrome. Last evaluated: 2023-05-04. Review status: criteria provided, single submitter. Criteria: Ambry Variant Classification Scheme 2023. Collection method: clinical testing. Allele origin: germline.
Comment: The c.3768_3770delAGA variant (also known as p.E1258del) is located in coding exon 9 of the BRCA1 gene. This variant results from an in-frame AGA deletion at nucleotide positions 3768 to 3770. This results in the in-frame deletion of a glutamic acid at codon 1258. This amino acid position is not well conserved in available vertebrate species. In addition, this alteration is predicted to be neutral by in silico analysis (Choi Y et al. PLoS ONE. 2012; 7(10):e46688). Since supporting evidence is limited at this time, the clinical significance of this alteration remains unclear.

Color Diagnostics, LLC DBA Color Health
Classification: Uncertain significance for Hereditary cancer-predisposing syndrome. Last evaluated: 2021-10-01. Review status: criteria provided, single submitter. Criteria: ACMG Guidelines, 2015. Collection method: clinical testing. Allele origin: germline.
Comment: This variant causes an in-frame deletion of glutamic acid 1258 in the BRCA1 protein. To our knowledge, functional studies have not been reported for this variant. This variant has not been reported in individuals affected with hereditary cancer in the literature. This variant has not been identified in the general population by the Genome Aggregation Database (gnomAD). The available evidence is insufficient to determine the role of this variant in disease conclusively. Therefore, this variant is classified as a Variant of Uncertain Significance.

NM_007294.4(BRCA1):c.3768_3770del (p.Glu1258del)

Genes: BRCA1 (BRCA1 DNA repair associated; minus strand), LOC126862571 (BRD4-independent group 4 enhancer GRCh37_chr17:41243136-41244335; plus strand). Cytogenetic location: 17q21.31.
Variant type: Deletion.
Coding change: c.3768_3770del on transcript NM_007294.4 (MANE Select); coding-DNA positions 3768 to 3770, 3 bases deleted (AGA; older notation c.3768_3770delAGA).
Protein change: p.Glu1258del; deletes glutamic acid 1258.
Molecular consequence: inframe deletion. On other transcripts: intron variant (135).
Genome position (GRCh38, 1-based): chr17:43,091,761-43,091,763, TCT deleted on the plus strand (AGA on the coding strand, the reverse complement: BRCA1 is on the minus strand). VCF-style (leftmost placement, unchanged base first): chr17-43091760-CTCT-C. GRCh37 (hg19) VCF-style: chr17-41243777-CTCT-C.
Other names: c.665-731_665-729del (NM_001408443.1, NM_001408425.1, NM_001408439.1 and 12 more transcripts); c.3768_3770del, p.Glu1258del (NM_001407582.1, NM_001407581.1, NM_001407639.1 and 30 more transcripts); c.3555_3557del, p.Glu1187del (NM_001407571.1, NM_001407853.1, NM_001407894.1 and 9 more transcripts); c.671-731_671-729del (NM_001408419.1, NM_001408423.1, NM_001408420.1 and 2 more transcripts); c.788-731_788-729del (NM_001407983.1, NM_001408403.1, NM_001407977.1 and 17 more transcripts); c.3765_3767del, p.Glu1257del (NM_001407635.1, NM_001407638.1, NM_001407636.1 and 22 more transcripts); c.3759_3761del, p.Glu1255del (NM_001407646.1, NM_001407647.1); c.3645_3647del, p.Glu1217del (NM_001407648.1, NM_001407664.1, NM_001407665.1 and 19 more transcripts); and 41 more; short protein forms E1090del, E1232del, E390del, E1146del, E1170del, E1187del, E1190del, E1191del.
Identifiers: ClinVar variation 2565347 (VCV002565347.4), dbSNP rs2552137601, ClinGen allele CA2580612623.